The following is an entry in ClinVar:

ClinVar aggregate classification (germline): Likely benign (1 of 4 stars; one submission).

Conditions:
NCOR2-related disorder. Also called: NCOR2-related condition.

gnomAD v4.1: 45 of 1,491,820 alleles (0.003%); highest among the groups gnomAD compares: Admixed American, 0.014%; no homozygotes.

Submission:

PreventionGenetics, part of Exact Sciences
Classification: Likely benign for NCOR2-related condition. Last evaluated: 2026-06-19. Review status: criteria provided, single submitter. Criteria: ACMG Guidelines, 2015. Collection method: clinical testing. Allele origin: germline.
Comment: This variant is classified as likely benign based on ACMG/AMP sequence variant interpretation guidelines (Richards et al. 2015 PMID: 25741868, with internal and published modifications).

NM_006312.6(NCOR2):c.5811G>A (p.Lys1937=)

Gene: NCOR2 (nuclear receptor corepressor 2; minus strand). Cytogenetic location: 12q24.31.
Variant type: single nucleotide variant.
Coding change: c.5811G>A on transcript NM_006312.6 (MANE Select); coding-DNA position 5811, G replaced by A.
Protein change: p.Lys1937=; no amino-acid change (lysine 1937 retained).
Molecular consequence: synonymous variant.
Genome position (GRCh38, 1-based): chr12:124,337,057, C>T on the plus strand (G>A on the coding strand, the complement: NCOR2 is on the minus strand). VCF-style: chr12-124337057-C-T. GRCh37 (hg19) VCF-style: chr12-124821603-C-T.
Other names: c.5781G>A, p.Lys1927= (NM_001077261.4, NM_001206654.2).
Identifiers: ClinVar variation 4979884 (VCV004979884.1).